The following is an entry in ClinVar:

NM_001378120.1(MBD5):c.989A>G (p.His330Arg)

Gene: MBD5 (methyl-CpG binding domain protein 5; plus strand). Cytogenetic location: 2q23.1.
Variant type: single nucleotide variant.
Coding change: c.989A>G on transcript NM_001378120.1 (MANE Select); coding-DNA position 989, A replaced by G.
Protein change: p.His330Arg; replaces histidine 330 with arginine.
Molecular consequence: missense variant.
Genome position (GRCh38, 1-based): chr2:148,468,932, A>G. VCF-style: chr2-148468932-A-G. GRCh37 (hg19) VCF-style: chr2-149226501-A-G.
Other names: c.989A>G, p.His330Arg (NM_018328.5); short protein forms H330R.
Identifiers: ClinVar variation 1467783 (VCV001467783.8), dbSNP rs750043178, ClinGen allele CA1899953.
Genomic context (GRCh38, chr2:148,468,932, plus strand): 5'-TGAAAAAACCAATGTGTAATTTTTCAACTAATATGGAAATACCACGAGCAATGTTCCACC[A>G]CAAACCACCCCAAGGCCCACCTCCCCCTCCTCCACCTTCTTGTGCTCTTCAGAAAAAGCC-3'
Protein context (NP_001365049.1, residues 320-340): NMEIPRAMFH[His330Arg]KPPQGPPPPP

ClinVar aggregate classification (germline): Uncertain significance (1 of 4 stars; one submission).

Conditions:
Intellectual developmental disorder, autosomal dominant 1. Also called: Intellectual disability, autosomal dominant 1; MBD5 Haploinsufficiency. Identifiers: Orphanet 228402, MedGen C1969562, MONDO:0007974, OMIM 156200.

Allele frequency attached by ClinVar (database versions not stated): gnomAD exomes below 0.00001; ExAC 0.00001.
gnomAD v4.1: 2 of 1,613,838 alleles (0.00012%); highest among the groups gnomAD compares: Non-Finnish European, 0.00017%; no homozygotes.

Submission:

Labcorp Genetics (formerly Invitae), Labcorp
Classification: Uncertain significance for Intellectual developmental disorder, autosomal dominant 1. Last evaluated: 2024-09-23. Review status: criteria provided, single submitter. Criteria: Invitae Variant Classification Sherloc (09022015). Collection method: clinical testing. Allele origin: germline.
Comment: This sequence change replaces histidine, which is basic and polar, with arginine, which is basic and polar, at codon 330 of the MBD5 protein (p.His330Arg). This variant is not present in population databases (gnomAD no frequency). This variant has not been reported in the literature in individuals affected with MBD5-related conditions. ClinVar contains an entry for this variant (Variation ID: 1467783). Invitae Evidence Modeling of protein sequence and biophysical properties (such as structural, functional, and spatial information, amino acid conservation, physicochemical variation, residue mobility, and thermodynamic stability) indicates that this missense variant is not expected to disrupt MBD5 protein function with a negative predictive value of 80%. In summary, the available evidence is currently insufficient to determine the role of this variant in disease. Therefore, it has been classified as a Variant of Uncertain Significance.